The following is an entry in ClinVar:

ClinVar aggregate classification (germline): Pathogenic (1 of 4 stars; one submission).

Submission:

Labcorp Genetics (formerly Invitae), Labcorp
Classification: Pathogenic. Last evaluated: 2020-08-07. Review status: criteria provided, single submitter. Criteria: Invitae Variant Classification Sherloc (09022015). Collection method: clinical testing. Allele origin: germline.
Comment: This variant is an out-of-frame deletion of the genomic region encompassing exon(s) 8-9 of the MICU1 gene. This is expected to create a premature translational stop signal and result in an absent or disrupted protein product. For these reasons, this variant has been classified as Pathogenic. Loss-of-function variants in MICU1 are known to be pathogenic (PMID: 24336167). This variant has not been reported in the literature in individuals with MICU1-related conditions.

Literature cited by the submitters: PubMed 24336167.

NC_000010.10:g.(?_74234858)_(74237337_?)del

Gene: MICU1 (mitochondrial calcium uptake 1; minus strand). Cytogenetic location: 10q22.1.
Variant type: Deletion.
Identifiers: ClinVar variation 1070383 (VCV001070383.5).